The following is an entry in ClinVar:

NM_002109.6(HARS1):c.132G>A (p.Gln44=)

Gene: HARS1 (histidyl-tRNA synthetase 1; minus strand). Cytogenetic location: 5q31.3.
Variant type: single nucleotide variant.
Coding change: c.132G>A on transcript NM_002109.6 (MANE Select); coding-DNA position 132, G replaced by A.
Protein change: p.Gln44=; no amino-acid change (glutamine 44 retained).
Molecular consequence: synonymous variant.
Genome position (GRCh38, 1-based): chr5:140,690,903, C>T on the plus strand (G>A on the coding strand, the complement: HARS1 is on the minus strand). VCF-style: chr5-140690903-C-T. GRCh37 (hg19) VCF-style: chr5-140070488-C-T.
Other names: c.132G>A, p.Gln44= (NM_001258040.3, NM_001258041.3, NM_001258042.3 and 2 more transcripts); c.45G>A, p.Gln15= (NM_001289094.2).
Identifiers: ClinVar variation 1119718 (VCV001119718.10), dbSNP rs748645783, ClinGen allele CA3444197.

ClinVar aggregate classification (germline): Likely benign. Review status: criteria provided, multiple submitters, no conflicts (2 of 4 stars). 2 submissions from 2 submitters: Likely benign (2). Last evaluated 2025-05-18.

Conditions:
Usher syndrome type 3B. Also called: USHER SYNDROME, TYPE IIIB. Identifiers: MedGen C3281066, MONDO:0013788, OMIM 614504.

Allele frequency attached by ClinVar (database versions not stated): gnomAD exomes below 0.00001; ExAC 0.00001; gnomAD 0.00001.

Submissions (2):

Labcorp Genetics (formerly Invitae), Labcorp
Classification: Likely benign for Usher syndrome type 3B. Last evaluated: 2025-05-18. Review status: criteria provided, single submitter. Criteria: Invitae Variant Classification Sherloc (09022015). Collection method: clinical testing. Allele origin: germline.

Women's Health and Genetics/Laboratory Corporation of America, LabCorp
Classification: Likely benign. Last evaluated: 2024-06-20. Review status: criteria provided, single submitter. Criteria: LabCorp Variant Classification Summary - May 2015. Collection method: clinical testing. Allele origin: germline.
Comment: Variant summary: HARS1 c.132G>A alters a conserved nucleotide resulting in a synonymous change. Consensus agreement among computation tools predict no significant impact on normal splicing. However, these predictions have yet to be confirmed by functional studies. The variant allele was found at a frequency of 4e-06 in 251472 control chromosomes. The available data on variant occurrences in the general population are insufficient to allow any conclusion about variant significance. To our knowledge, no occurrence of c.132G>A in individuals affected with Usher syndrome type 3B and no experimental evidence demonstrating its impact on protein function have been reported. ClinVar contains an entry for this variant (Variation ID: 1119718). Based on the evidence outlined above, the variant was classified as likely benign.